The following is an entry in ClinVar:

NM_002227.4(JAK1):c.2218C>T (p.Pro740Ser)

Gene: JAK1 (Janus kinase 1; minus strand). Cytogenetic location: 1p31.3.
Variant type: single nucleotide variant.
Coding change: c.2218C>T on transcript NM_002227.4 (MANE Select); coding-DNA position 2218, C replaced by T.
Protein change: p.Pro740Ser; replaces proline 740 with serine.
Molecular consequence: missense variant.
Genome position (GRCh38, 1-based): chr1:64,844,787, G>A on the plus strand (C>T on the coding strand, the complement: JAK1 is on the minus strand). VCF-style: chr1-64844787-G-A. GRCh37 (hg19) VCF-style: chr1-65310470-G-A.
Other names: c.2218C>T, p.Pro740Ser (NM_001320923.2, NM_001321852.2, NM_001321853.2 and 3 more transcripts); c.2215C>T, p.Pro739Ser (NM_001321857.2); short protein forms P740S, P739S.
Identifiers: ClinVar variation 2174852 (VCV002174852.4), dbSNP rs1570620963, ClinGen allele CA340666932.

ClinVar aggregate classification (germline): Uncertain significance (1 of 4 stars; one submission).

Allele frequency attached by ClinVar (database versions not stated): gnomAD exomes below 0.00001; TOPMed 0.00001.

Submission:

Labcorp Genetics (formerly Invitae), Labcorp
Classification: Uncertain significance. Last evaluated: 2023-06-06. Review status: criteria provided, single submitter. Criteria: Invitae Variant Classification Sherloc (09022015). Collection method: clinical testing. Allele origin: germline.
Comment: Advanced modeling of protein sequence and biophysical properties (such as structural, functional, and spatial information, amino acid conservation, physicochemical variation, residue mobility, and thermodynamic stability) performed at Invitae indicates that this missense variant is not expected to disrupt JAK1 protein function. In summary, the available evidence is currently insufficient to determine the role of this variant in disease. Therefore, it has been classified as a Variant of Uncertain Significance. ClinVar contains an entry for this variant (Variation ID: 2174852). This sequence change replaces proline, which is neutral and non-polar, with serine, which is neutral and polar, at codon 740 of the JAK1 protein (p.Pro740Ser). This variant is not present in population databases (gnomAD no frequency). This variant has not been reported in the literature in individuals affected with JAK1-related conditions.